The following is an entry in ClinVar:

NM_001723.7(DST):c.3410del (p.Thr1137fs)

Gene: DST (dystonin; minus strand). Cytogenetic location: 6p12.1.
Variant type: Deletion.
Coding change: c.3410del on transcript NM_001723.7 (MANE Plus Clinical); coding-DNA position 3410, one base deleted (C; older notation c.3410delC).
Protein change: p.Thr1137fs; shifts the reading frame from threonine 1137.
Molecular consequence: frameshift variant. On other transcripts: intron variant (10).
Genome position (GRCh38, 1-based): chr6:56,620,624, G deleted on the plus strand (C on the coding strand, the reverse complement: DST is on the minus strand). VCF-style (leftmost placement, unchanged base first): chr6-56620623-TG-T. GRCh37 (hg19) VCF-style: chr6-56485421-TG-T.
Other names: c.4830+3906del (NM_001144769.5); c.4929+3906del (NM_001374722.1, NM_001374736.1); c.4956+3906del (NM_001374734.1); c.4416+3906del (NM_001144770.2); c.4296+3906del (NM_001374730.1, NM_001386100.1, NM_183380.4 and 1 more transcripts); c.3318+3906del (NM_015548.5); short protein forms T1137fs.
Identifiers: ClinVar variation 971138 (VCV000971138.8), dbSNP rs2098681738, ClinGen allele CA1089310356.

ClinVar aggregate classification (germline): Pathogenic (1 of 4 stars; one submission).

Conditions:
Epidermolysis bullosa simplex 3, localized or generalized intermediate, with BP230 deficiency (EBS3). Also called: Epidermolysis bullosa simplex, autosomal recessive 2; Epidermolysis bullosa simplex due to BP230 deficiency. Identifiers: Orphanet 412181, MedGen C3809470, MONDO:0014180, OMIM 615425.
Hereditary sensory and autonomic neuropathy type 6. Also called: Neuropathy, hereditary sensory and autonomic, type VI; HSAN VI. Identifiers: Orphanet 314381, MedGen C3539003, MONDO:0013839, OMIM 614653.

Allele frequency attached by ClinVar (database versions not stated): TOPMed below 0.00001; gnomAD 0.00001.

Submission:

Labcorp Genetics (formerly Invitae), Labcorp
Classification: Pathogenic for Epidermolysis bullosa simplex 3, localized or generalized intermediate, with BP230 deficiency; Hereditary sensory and autonomic neuropathy type 6. Last evaluated: 2019-11-05. Review status: criteria provided, single submitter. Criteria: Invitae Variant Classification Sherloc (09022015). Collection method: clinical testing. Allele origin: germline.
Comment: For these reasons, this variant has been classified as Pathogenic. Loss-of-function variants in DST are known to be pathogenic (PMID: 25059916). This variant has not been reported in the literature in individuals with DST-related conditions. This variant is not present in population databases (ExAC no frequency). This sequence change creates a premature translational stop signal (p.Thr1137Lysfs*4) in the DST gene. It is expected to result in an absent or disrupted protein product.

Literature cited by the submitters: PubMed 25059916.